The following is an entry in ClinVar:

ClinVar aggregate classification (germline): Uncertain significance. Review status: criteria provided, multiple submitters, no conflicts (2 of 4 stars). 9 submissions from 7 submitters: Uncertain significance (8). 1 of the submissions does not count toward it. Last evaluated 2026-01-05.

Conditions:
Retinitis pigmentosa 39 (RP39). Identifiers: Orphanet 791, MedGen C3151138, MONDO:0013436, OMIM 613809.
Usher syndrome type 2A. Also called: RETINAL DISEASE IN USHER SYNDROME TYPE IIA, MODIFIER OF; USHER SYNDROME, TYPE IIA. Identifiers: Orphanet 231178, Orphanet 886, MedGen C1848634, MONDO:0010169, OMIM 276901.
Retinitis pigmentosa (RP). Identifiers: Orphanet 791, MedGen C0035334, MeSH D012174, MONDO:0019200, OMIM 268000. Inheritance: Autosomal dominant, autosomal recessive and X linked inheritance.
Inborn genetic diseases. Identifiers: MedGen C0950123, MeSH D030342.

gnomAD v4.1: 15 of 1,613,840 alleles (0.00093%); highest among the groups gnomAD compares: Middle Eastern, 0.016%; no homozygotes.

Submissions (9):

Labcorp Genetics (formerly Invitae), Labcorp
Classification: Uncertain significance. Last evaluated: 2026-01-05. Review status: criteria provided, single submitter. Criteria: Invitae Variant Classification Sherloc (09022015). Collection method: clinical testing. Allele origin: germline.
Comment: This sequence change replaces arginine, which is basic and polar, with glutamine, which is neutral and polar, at codon 1295 of the USH2A protein (p.Arg1295Gln). This variant is present in population databases (rs372993160, gnomAD 0.01%). This variant has not been reported in the literature in individuals affected with USH2A-related conditions. ClinVar contains an entry for this variant (Variation ID: 295429). Invitae Evidence Modeling of protein sequence and biophysical properties (such as structural, functional, and spatial information, amino acid conservation, physicochemical variation, residue mobility, and thermodynamic stability) indicates that this missense variant is not expected to disrupt USH2A protein function with a negative predictive value of 95%. In summary, the available evidence is currently insufficient to determine the role of this variant in disease. Therefore, it has been classified as a Variant of Uncertain Significance.

Blueprint Genetics
Classification: Uncertain significance. Last evaluated: 2024-11-01. Review status: criteria provided, single submitter. Criteria: ACMG Guidelines, 2015. Collection method: clinical testing. Allele origin: germline.

Ambry Genetics
Classification: Uncertain significance for Inborn genetic diseases. Last evaluated: 2024-07-31. Review status: criteria provided, single submitter. Criteria: Ambry Variant Classification Scheme 2023. Collection method: clinical testing. Allele origin: germline.

Genome-Nilou Lab
Classification: Uncertain significance for Retinitis pigmentosa 39. Last evaluated: 2023-11-04. Review status: criteria provided, single submitter. Criteria: ACMG Guidelines, 2015. Collection method: clinical testing. Allele origin: germline. Affected: no.

Genome-Nilou Lab
Classification: Uncertain significance for Usher syndrome type 2A. Last evaluated: 2023-11-04. Review status: criteria provided, single submitter. Criteria: ACMG Guidelines, 2015. Collection method: clinical testing. Allele origin: germline. Affected: no.

Fulgent Genetics
Classification: Uncertain significance for Usher syndrome type 2A; Retinitis pigmentosa 39. Last evaluated: 2021-07-08. Review status: criteria provided, single submitter. Criteria: ACMG Guidelines, 2015. Collection method: clinical testing. Allele origin: unknown.

Illumina Laboratory Services, Illumina
Classification: Uncertain significance for Usher syndrome type 2A. Last evaluated: 2018-01-13. Review status: criteria provided, single submitter. Criteria: ICSL Variant Classification Criteria 13 December 2019. Collection method: clinical testing. Allele origin: germline.

Illumina Laboratory Services, Illumina
Classification: Uncertain significance for Retinitis pigmentosa. Last evaluated: 2018-01-13. Review status: criteria provided, single submitter. Criteria: ICSL Variant Classification Criteria 13 December 2019. Collection method: clinical testing. Allele origin: germline.

Natera, Inc.
Classification: Uncertain significance for Usher syndrome type 2A. Last evaluated: 2019-11-11. Review status: no assertion criteria provided. Collection method: clinical testing. Allele origin: germline. Not counted in ClinVar's aggregate classification.

NM_206933.4(USH2A):c.3884G>A (p.Arg1295Gln)

Genes: USH2A (usherin; minus strand), USH2A-AS1 (USH2A antisense RNA 1; plus strand). Cytogenetic location: 1q41.
Variant type: single nucleotide variant.
Coding change: c.3884G>A on transcript NM_206933.4 (MANE Select); coding-DNA position 3884, G replaced by A.
Protein change: p.Arg1295Gln; replaces arginine 1295 with glutamine.
Molecular consequence: missense variant.
Genome position (GRCh38, 1-based): chr1:216,198,512, C>T on the plus strand (G>A on the coding strand, the complement: USH2A is on the minus strand). VCF-style: chr1-216198512-C-T. GRCh37 (hg19) VCF-style: chr1-216371854-C-T.
Other names: c.3884G>A, p.Arg1295Gln (NM_007123.6); short protein forms R1295Q.
Identifiers: ClinVar variation 295429 (VCV000295429.17), dbSNP rs372993160, ClinGen allele CA1395881.